The following is an entry in ClinVar:

NM_014795.4(ZEB2):c.73+2T>C

Gene: ZEB2 (zinc finger E-box binding homeobox 2; minus strand). Cytogenetic location: 2q22.3.
Variant type: single nucleotide variant.
Coding change: c.73+2T>C on transcript NM_014795.4 (MANE Select); the canonical splice donor site of the intron after coding-DNA position 73, T replaced by C.
Molecular consequence: splice donor variant.
Genome position (GRCh38, 1-based): chr2:144,517,276, A>G on the plus strand (T>C on the coding strand, the complement: ZEB2 is on the minus strand). VCF-style: chr2-144517276-A-G. GRCh37 (hg19) VCF-style: chr2-145274843-A-G.
Other names: c.73+2T>C (NM_001171653.2).
Identifiers: ClinVar variation 95639 (VCV000095639.10), dbSNP rs398124282, ClinGen allele CA267215.

ClinVar aggregate classification (germline): Pathogenic/Likely pathogenic. Review status: criteria provided, multiple submitters, no conflicts (2 of 4 stars). 4 submissions from 4 submitters: Pathogenic (3); Likely pathogenic (1). Last evaluated 2021-11-07.

Conditions:
Mowat-Wilson syndrome (MOWS). Also called: Classic Mowat-Wilson Syndrome. Identifiers: Orphanet 2152, MedGen C1856113, MONDO:0009341, OMIM 235730.

Submissions (4):

Genome-Nilou Lab
Classification: Pathogenic for Mowat-Wilson syndrome. Last evaluated: 2021-11-07. Review status: criteria provided, single submitter. Criteria: ACMG Guidelines, 2015. Collection method: clinical testing. Allele origin: germline. Affected: no.

Greenwood Genetic Center Diagnostic Laboratories, Greenwood Genetic Center
Classification: Pathogenic. Last evaluated: 2020-09-29. Review status: criteria provided, single submitter. Criteria: ACMG Guidelines, 2015. Collection method: clinical testing. Allele origin: germline. Affected: yes.

Labcorp Genetics (formerly Invitae), Labcorp
Classification: Likely pathogenic for Mowat-Wilson syndrome. Last evaluated: 2017-08-24. Review status: criteria provided, single submitter. Criteria: Invitae Variant Classification Sherloc (09022015). Collection method: clinical testing. Allele origin: germline.
Comment: This sequence change affects a donor splice site in intron 2 of the ZEB2 gene. It is expected to disrupt RNA splicing and likely results in an absent or disrupted protein product. This variant is not present in population databases (ExAC no frequency). This variant has not been reported in the literature in individuals with ZEB2-related disease. ClinVar contains an entry for this variant (Variation ID: 95639). Algorithms developed to predict the effect of sequence changes on RNA splicing suggest that this variant may disrupt the consensus splice site, but this prediction has not been confirmed by published transcriptional studies. Donor and acceptor splice site variants typically lead to a loss of protein function (PMID: 16199547), and loss-of-function variants in ZEB2 are known to be pathogenic (PMID: 16053902). In summary, the currently available evidence indicates that the variant is pathogenic, but additional data are needed to prove that conclusively. Therefore, this variant has been classified as Likely Pathogenic.

Eurofins Ntd Llc (ga)
Classification: Pathogenic. Last evaluated: 2013-03-25. Review status: criteria provided, single submitter. Criteria: EGL Classification Definitions 2015. Collection method: clinical testing. Allele origin: germline. Observed: 1 variant allele, 1 heterozygote.

Literature cited by the submitters: PubMed 16053902 (cited by Labcorp Genetics (formerly Invitae), Labcorp).